The following is an entry in ClinVar:

ClinVar aggregate classification (germline): Uncertain significance (1 of 4 stars; one submission).

Submission:

GeneDx
Classification: Uncertain significance. Last evaluated: 2017-10-27. Review status: criteria provided, single submitter. Criteria: GeneDx Variant Classification (06012015). Collection method: clinical testing. Allele origin: germline. Affected: yes.
Comment: The c.1743_1746delCGAG variant in the DNMT1 gene has not been reported previously as a pathogenic variant nor as a benign variant, to our knowledge. The c.1743_1746delCGAG variant causes a frameshift starting with codon Aspartic acid 581, changes this amino acid to a Glutamic acid residue, and creates a premature Stop codon at position 12 of the new reading frame, denoted p.Asp581GlufsX12. This variant is predicted to cause loss of normal protein function either through protein truncation or nonsense-mediated mRNA decay, however loss-of-function is not a known mechanism of disease for the DNMT1 gene. The c.1743_1746delCGAG variant is not observed in large population cohorts (Lek et al., 2016). We interpret c.1743_1746delCGAG as a variant of uncertain significance.

NM_001130823.3(DNMT1):c.1743_1746del (p.Asp581fs)

Gene: DNMT1 (DNA methyltransferase 1; minus strand). Cytogenetic location: 19p13.2.
Variant type: Deletion.
Coding change: c.1743_1746del on transcript NM_001130823.3 (MANE Select); coding-DNA positions 1743 to 1746, 4 bases deleted (CGAG; older notation c.1743_1746delCGAG).
Protein change: p.Asp581fs; shifts the reading frame from aspartic acid 581.
Molecular consequence: frameshift variant.
Genome position (GRCh38, 1-based): chr19:10,154,672-10,154,675, CTCG deleted on the plus strand (CGAG on the coding strand, the reverse complement: DNMT1 is on the minus strand). VCF-style (leftmost placement, unchanged base first): chr19-10154671-CCTCG-C. GRCh37 (hg19) VCF-style: chr19-10265347-CCTCG-C.
Other names: c.1743_1746del (LRG_362t1); c.1695_1698del, p.Asp565fs (NM_001318730.2, NM_001379.4); c.1380_1383del, p.Asp460fs (NM_001318731.2); short protein forms D460fs, D581fs, D565fs.
Identifiers: ClinVar variation 245803 (VCV000245803.2), dbSNP rs879253953, ClinGen allele CA10584601.
Genomic context (GRCh38, chr19:10,154,671, plus strand): 5'-GCTTGATCAGGTCCCGCATGCAGGGTGTCAGGAAGATGGGCTGCTCATCACTGTCCCCGG[CCTCG>C]TCATAACTCTCCACCTGCTCCACCACAAACTGCGCGTGTCGCAGGAGGGAGTCCTCTGTG-3'